The following is an entry in ClinVar:

NM_144670.6(A2ML1):c.277G>T (p.Val93Leu)

Genes: A2ML1-AS1 (A2ML1 antisense RNA 1; minus strand), A2ML1 (alpha-2-macroglobulin like 1; plus strand). Cytogenetic location: 12p13.31.
Variant type: single nucleotide variant.
Coding change: c.277G>T on transcript NM_144670.6 (MANE Select); coding-DNA position 277, G replaced by T.
Protein change: p.Val93Leu; replaces valine 93 with leucine.
Molecular consequence: missense variant.
Genome position (GRCh38, 1-based): chr12:8,823,750, G>T. VCF-style: chr12-8823750-G-T. GRCh37 (hg19) VCF-style: chr12-8976346-G-T.
Other names: short protein forms V93L.
Identifiers: ClinVar variation 800252 (VCV000800252.16), dbSNP rs775011475, ClinGen allele CA6435226.
Genomic context (GRCh38, chr12:8,823,750, plus strand): 5'-CCCTCCCCAGAAGTCCCCTTTCTTGGTCAGGTACCACCTCCTGCTGGTGGCACAGAAGAA[G>T]TGGCCACAATCCGGGTGTCGGGAGTTGGAAATAACATCAGCTTTGAGGAGAAGAAAAAGG-3'
Protein context (NP_653271.3, residues 83-103): VPPPAGGTEE[Val93Leu]ATIRVSGVGN

ClinVar aggregate classification (germline): Conflicting classifications of pathogenicity. Review status: criteria provided, conflicting classifications (1 of 4 stars). 4 submissions from 4 submitters: Uncertain significance (1); Likely benign (3). Last evaluated 2026-01-21.

Conditions:
A2ML1-related disorder. Also called: A2ML1-related condition.

Allele frequency attached by ClinVar (database versions not stated): gnomAD exomes 0.00004 and 0.00014; TOPMed 0.00009; ExAC 0.00012.
gnomAD v4.1: 63 of 1,613,964 alleles (0.0039%); highest among the groups gnomAD compares: Admixed American, 0.065%; no homozygotes.

Submissions (4):

Labcorp Genetics (formerly Invitae), Labcorp
Classification: Likely benign. Last evaluated: 2026-01-21. Review status: criteria provided, single submitter. Criteria: Invitae Variant Classification Sherloc (09022015). Collection method: clinical testing. Allele origin: germline.

Ambry Genetics
Classification: Uncertain significance. Last evaluated: 2025-11-12. Review status: criteria provided, single submitter. Criteria: Ambry Variant Classification Scheme 2023. Collection method: clinical testing. Allele origin: germline.

PreventionGenetics, part of Exact Sciences
Classification: Likely benign for A2ML1-related condition. Last evaluated: 2025-02-17. Review status: criteria provided, single submitter. Criteria: ACMG Guidelines, 2015. Collection method: clinical testing. Allele origin: germline.
Comment: This variant is classified as likely benign based on ACMG/AMP sequence variant interpretation guidelines (Richards et al. 2015 PMID: 25741868, with internal and published modifications).

Women's Health and Genetics/Laboratory Corporation of America, LabCorp
Classification: Likely benign. Last evaluated: 2020-08-31. Review status: criteria provided, single submitter. Criteria: LabCorp Variant Classification Summary - May 2015. Collection method: clinical testing. Allele origin: germline.
Comment: Variant summary: A2ML1 c.277G>T (p.Val93Leu) results in a conservative amino acid change in the encoded protein sequence. Three of five in-silico tools predict a benign effect of the variant on protein function. The variant allele was found at a frequency of 0.00014 in 249478 control chromosomes, predominantly at a frequency of 0.00096 within the Latino subpopulation in the gnomAD database. The observed variant frequency within Latino control individuals in the gnomAD database is approximately 240 fold of the estimated maximal expected allele frequency for a pathogenic variant in A2ML1 causing Noonan Syndrome phenotype (4e-06), strongly suggesting that the variant is a benign polymorphism found primarily in populations of Latino origin. To our knowledge, no occurrence of c.277G>T in individuals affected with Noonan Syndrome and no experimental evidence demonstrating its impact on protein function have been reported. One ClinVar submitter (evaluation after 2014) cite the variant as likely benign. Based on the evidence outlined above, the variant was classified as likely benign.